The following is an entry in ClinVar:

ClinVar aggregate classification (germline): Uncertain significance. Review status: criteria provided, multiple submitters, no conflicts (2 of 4 stars). 4 submissions from 4 submitters: Uncertain significance (3). 1 of the submissions does not count toward it. Last evaluated 2025-07-14.

Conditions:
Inborn genetic diseases. Identifiers: MedGen C0950123, MeSH D030342.
Multiple acyl-CoA dehydrogenase deficiency (MADD). Also called: Glutaric acidemia type II; GA 2; ETHYLMALONIC-ADIPICACIDURIA; GA II; Glutaric aciduria, type 2; Glutaric Acidemia type 2. Identifiers: Orphanet 26791, MedGen C0268596, MONDO:0009282, OMIM 231680.

Allele frequency attached by ClinVar (database versions not stated): gnomAD exomes 0.00002; ExAC 0.00003; gnomAD 0.00011; TOPMed 0.00017; 1000 Genomes Project 0.00020; 1000 Genomes Project 30x 0.00031.
gnomAD v4.1: 40 of 1,593,022 alleles (0.0025%); highest among the groups gnomAD compares: African/African-American, 0.048%; 1 homozygote.

Submissions (4):

GeneDx
Classification: Uncertain significance. Last evaluated: 2025-07-14. Review status: criteria provided, single submitter. Criteria: GeneDx Variant Classification Process June 2021. Collection method: clinical testing. Allele origin: germline. Affected: yes.
Comment: In silico analysis suggests that this missense variant does not alter protein structure/function; Has not been previously published as pathogenic or benign to our knowledge

Ambry Genetics
Classification: Uncertain significance for Inborn genetic diseases. Last evaluated: 2024-10-08. Review status: criteria provided, single submitter. Criteria: Ambry Variant Classification Scheme 2023. Collection method: clinical testing. Allele origin: germline.

Labcorp Genetics (formerly Invitae), Labcorp
Classification: Uncertain significance for Multiple acyl-CoA dehydrogenase deficiency. Last evaluated: 2022-02-09. Review status: criteria provided, single submitter. Criteria: Invitae Variant Classification Sherloc (09022015). Collection method: clinical testing. Allele origin: germline.
Comment: This sequence change replaces lysine, which is basic and polar, with arginine, which is basic and polar, at codon 426 of the ETFDH protein (p.Lys426Arg). This variant is present in population databases (rs200611086, gnomAD 0.05%). This variant has not been reported in the literature in individuals affected with ETFDH-related conditions. ClinVar contains an entry for this variant (Variation ID: 990933). Advanced modeling of protein sequence and biophysical properties (such as structural, functional, and spatial information, amino acid conservation, physicochemical variation, residue mobility, and thermodynamic stability) performed at Invitae indicates that this missense variant is not expected to disrupt ETFDH protein function. Algorithms developed to predict the effect of sequence changes on RNA splicing suggest that this variant may create or strengthen a splice site. In summary, the available evidence is currently insufficient to determine the role of this variant in disease. Therefore, it has been classified as a Variant of Uncertain Significance.

Natera, Inc.
Classification: Uncertain significance for Glutaric aciduria type 2. Last evaluated: 2020-04-21. Review status: no assertion criteria provided. Collection method: clinical testing. Allele origin: germline. Not counted in ClinVar's aggregate classification.

NM_004453.4(ETFDH):c.1277A>G (p.Lys426Arg)

Gene: ETFDH (electron transfer flavoprotein dehydrogenase; plus strand). Cytogenetic location: 4q32.1.
Variant type: single nucleotide variant.
Coding change: c.1277A>G on transcript NM_004453.4 (MANE Select); coding-DNA position 1277, A replaced by G.
Protein change: p.Lys426Arg; replaces lysine 426 with arginine.
Molecular consequence: missense variant.
Genome position (GRCh38, 1-based): chr4:158,703,583, A>G. VCF-style: chr4-158703583-A-G. GRCh37 (hg19) VCF-style: chr4-159624735-A-G.
Other names: c.1277A>G (NM_004453.2); c.1136A>G, p.Lys379Arg (NM_001281737.2); c.1094A>G, p.Lys365Arg (NM_001281738.1); short protein forms K365R, K379R, K426R.
Identifiers: ClinVar variation 990933 (VCV000990933.8), dbSNP rs200611086, ClinGen allele CA3122578.